The following is an entry in ClinVar:

NM_015909.4(NBAS):c.5023G>A (p.Ala1675Thr)

Gene: NBAS (NBAS subunit of NRZ tethering complex; minus strand). Cytogenetic location: 2p24.3.
Variant type: single nucleotide variant.
Coding change: c.5023G>A on transcript NM_015909.4 (MANE Select); coding-DNA position 5023, G replaced by A.
Protein change: p.Ala1675Thr; replaces alanine 1675 with threonine.
Molecular consequence: missense variant. On other transcripts: non-coding transcript variant (1).
Genome position (GRCh38, 1-based): chr2:15,292,541, C>T on the plus strand (G>A on the coding strand, the complement: NBAS is on the minus strand). VCF-style: chr2-15292541-C-T. GRCh37 (hg19) VCF-style: chr2-15432665-C-T.
Other names: short protein forms A1675T.
Identifiers: ClinVar variation 1921515 (VCV001921515.5), dbSNP rs2528202569, ClinGen allele CA345888569.

ClinVar aggregate classification (germline): Uncertain significance (1 of 4 stars; one submission).

Submission:

Labcorp Genetics (formerly Invitae), Labcorp
Classification: Uncertain significance. Last evaluated: 2022-08-27. Review status: criteria provided, single submitter. Criteria: Invitae Variant Classification Sherloc (09022015). Collection method: clinical testing. Allele origin: germline.
Comment: In summary, the available evidence is currently insufficient to determine the role of this variant in disease. Therefore, it has been classified as a Variant of Uncertain Significance. Algorithms developed to predict the effect of missense changes on protein structure and function output the following: SIFT: "Deleterious"; PolyPhen-2: "Benign"; Align-GVGD: "Class C55". The threonine amino acid residue is found in multiple mammalian species, which suggests that this missense change does not adversely affect protein function. This variant has not been reported in the literature in individuals affected with NBAS-related conditions. This variant is not present in population databases (gnomAD no frequency). This sequence change replaces alanine, which is neutral and non-polar, with threonine, which is neutral and polar, at codon 1675 of the NBAS protein (p.Ala1675Thr).